The following is an entry in ClinVar:

ClinVar aggregate classification (germline): Pathogenic (1 of 4 stars; one submission).

Conditions:
Hypertrophic cardiomyopathy 26. Also called: Cardiomyopathy, familial hypertrophic, 26. Identifiers: Orphanet 75249, MedGen C4310749, MONDO:0014883, OMIM 617047.
Myofibrillar myopathy 5. Also called: Filaminopathy (type); FILAMINOPATHY, AUTOSOMAL DOMINANT. Identifiers: Orphanet 171445, MedGen C1836050, MONDO:0012289, OMIM 609524.
Distal myopathy with posterior leg and anterior hand involvement. Also called: WILLIAMS DISTAL MYOPATHY. Identifiers: Orphanet 63273, MedGen C3279722, MONDO:0013550, OMIM 614065.

Submission:

Labcorp Genetics (formerly Invitae), Labcorp
Classification: Pathogenic for Distal myopathy with posterior leg and anterior hand involvement; Myofibrillar myopathy 5; Hypertrophic cardiomyopathy 26. Last evaluated: 2025-12-08. Review status: criteria provided, single submitter. Criteria: Invitae Variant Classification Sherloc (09022015). Collection method: clinical testing. Allele origin: germline.
Comment: This sequence change creates a premature translational stop signal (p.Thr828Metfs*57) in the FLNC gene. It is expected to result in an absent or disrupted protein product. Loss-of-function variants in FLNC are known to be pathogenic (PMID: 27908349). This variant is not present in population databases (gnomAD no frequency). This variant has not been reported in the literature in individuals affected with FLNC-related conditions. For these reasons, this variant has been classified as Pathogenic.

Literature cited by the submitters: PubMed 27908349.

NM_001458.5(FLNC):c.2482_2483insTGTCAAGAATGACAACGACA (p.Thr828fs)

Gene: FLNC (filamin C; plus strand). Cytogenetic location: 7q32.1.
Variant type: Insertion.
Coding change: c.2482_2483insTGTCAAGAATGACAACGACA on transcript NM_001458.5 (MANE Select); coding-DNA positions 2482 to 2483, TGTCAAGAATGACAACGACA inserted.
Protein change: p.Thr828fs; shifts the reading frame from threonine 828.
Molecular consequence: frameshift variant.
Genome position: GRCh38 VCF-style: chr7-128842868-A-ATCAAGAATGACAACGACATG. GRCh37 (hg19) VCF-style: chr7-128482922-A-ATCAAGAATGACAACGACATG.
Other names: c.2482_2483insTGTCAAGAATGACAACGACA, p.Thr828fs (NM_001127487.2); short protein forms T828fs.
Identifiers: ClinVar variation 4812463 (VCV004812463.1).